The following is an entry in ClinVar:

NM_153605.4(CRYBG3):c.1950A>G (p.Leu650=)

Gene: CRYBG3 (crystallin beta-gamma domain containing 3; plus strand). Cytogenetic location: 3q11.2.
Variant type: single nucleotide variant.
Coding change: c.1950A>G on transcript NM_153605.4 (MANE Select); coding-DNA position 1950, A replaced by G.
Protein change: p.Leu650=; no amino-acid change (leucine 650 retained).
Molecular consequence: synonymous variant.
Genome position (GRCh38, 1-based): chr3:97,873,144, A>G. VCF-style: chr3-97873144-A-G. GRCh37 (hg19) VCF-style: chr3-97591988-A-G.
Identifiers: ClinVar variation 2653992 (VCV002653992.24), dbSNP rs1261297082, ClinGen allele CA434858785.

ClinVar aggregate classification (germline): Likely benign (1 of 4 stars; one submission).

Allele frequency attached by ClinVar (database versions not stated): gnomAD exomes below 0.00001; gnomAD 0.00001.
gnomAD v4.1: 5 of 1,535,654 alleles (0.00033%); highest among the groups gnomAD compares: South Asian, 0.0024%; 1 homozygote.

Submission:

CeGaT Center for Human Genetics Tuebingen
Classification: Likely benign. Last evaluated: 2022-08-01. Review status: criteria provided, single submitter. Criteria: CeGaT Center For Human Genetics Tuebingen Variant Classification Criteria Version 2. Collection method: clinical testing. Allele origin: germline. Affected: yes. Observed: 1 variant allele.
Comment: CRYBG3: BP4, BP7